The following is an entry in ClinVar:

NM_000284.4(PDHA1):c.1050_1133dup (p.Gln351_Arg378dup)

Gene: PDHA1 (pyruvate dehydrogenase E1 subunit alpha 1; plus strand). Cytogenetic location: Xp22.12.
Variant type: Duplication.
Coding change: c.1050_1133dup on transcript NM_000284.4 (MANE Select); coding-DNA positions 1050 to 1133, 84 bases duplicated.
Protein change: p.Gln351_Arg378dup.
Molecular consequence: inframe insertion.
Genome position (GRCh38, 1-based): chrX:19,359,530-19,359,613, 84 bases duplicated. GRCh37 (hg19): chrX:19,377,648-19,377,731.
Other names: c.1164_1247dup, p.Gln389_Arg416dup (NM_001173454.2); c.1071_1154dup, p.Gln358_Arg385dup (NM_001173455.2); c.957_1040dup, p.Gln320_Arg347dup (NM_001173456.2); c.1050_1133dup (NM_000284.3).
Identifiers: ClinVar variation 495793 (VCV000495793.2), dbSNP rs1555935486, ClinGen allele CA658684284.

ClinVar aggregate classification (germline): Likely pathogenic. Review status: criteria provided, single submitter (1 of 4 stars). 2 submissions from 2 submitters: Likely pathogenic (1). 1 of the submissions does not count toward it. Last evaluated 2016-09-22.

Conditions:
Pyruvate dehydrogenase complex deficiency (PDHC). Also called: PDH DEFICIENCY; Pyruvate Dehydrogenase Complex Deficiency Disease; Pyruvate dehydrogenase deficiency; Ataxia with lactic acidosis 1; PYRUVATE DECARBOXYLASE DEFICIENCY. Identifiers: Orphanet 765, Orphanet 79243, MedGen C0034345, MONDO:0019169.
Pyruvate dehydrogenase E1-alpha deficiency (PDHAD). Also called: ATAXIA, INTERMITTENT, WITH PYRUVATE DEHYDROGENASE DEFICIENCY; ATAXIA WITH LACTIC ACIDOSIS I; ATAXIA, INTERMITTENT, WITH ABNORMAL PYRUVATE METABOLISM; Ataxia, intermittent, with pyruvate dehydrogenase, or decarboxylase, deficiency. Identifiers: Orphanet 79243, MedGen C1839413, MONDO:0010717, OMIM 312170.

Submissions (2):

Women's Health and Genetics/Laboratory Corporation of America, LabCorp
Classification: Likely pathogenic for Pyruvate dehydrogenase complex deficiency. Last evaluated: 2016-09-22. Review status: criteria provided, single submitter. Criteria: LabCorp Variant Classification Summary - May 2015. Collection method: clinical testing. Allele origin: germline.
Comment: Variant summary: The PDHA1 c.1050_1133dup84 (p.Glu351_Arg378dup) variant involves the duplication of a stretch of 84 nucleotides in exon 11. One in silico tool predicts a benign outcome for this variant. The information on allele frequency of this variant in population databases is not available due to the ExAC and ESP do not cover duplication variants of this size. This variant has been reported in two male patients with PDHc deficiency and absent in 100 tested control chromosomes. Taken together, this variant is classified as likely pathogenic until more evidence becomes available.

PDHA1 Study Group, University Children’s Hospital, Paracelsus Medical University
Classification: Pathogenic for Pyruvate dehydrogenase E1-alpha deficiency. Last evaluated: 2024-10-15. Review status: no assertion criteria provided. Collection method: research. Allele origin: de novo. Affected: yes. Observed: 1 variant allele. Not counted in ClinVar's aggregate classification.
Comment: The NM_000284.3:c.1050_1133dup (p.Gln351_Arg378dup) change is a deletion-insertion (delins) variant in PDHA1 gene. Among them, 1 case had confirmed de novo occurrence. The variant has been reported in 1 published case (PMIDs: 21914562). Last literature search: July 12, 2024. This variant is absent or extremely rare in population-based cohorts in the Genome Aggregation Database (gnomAD). Individuals harboring this variant presented with clinical features compatible with PDHA1-related PDHc deficiency. In summary, this variant meets criteria to be classified as pathogenic (P) for PDHA1-related PDHc deficiency based on the ACMG/AMP criteria applied: PS2, PM1, PM2, PM4, PM7 (last assessment October 15, 2024).

Literature cited by the submitters: PubMed 21914562 (cited by Women's Health and Genetics/Laboratory Corporation of America, LabCorp and PDHA1 Study Group, University Children’s Hospital, Paracelsus Medical University); DOI 10.1093/brain/awaf430 (cited by PDHA1 Study Group, University Children’s Hospital, Paracelsus Medical University).